The following is an entry in ClinVar:

ClinVar aggregate classification (germline): Uncertain significance. Review status: criteria provided, multiple submitters, no conflicts (2 of 4 stars). 3 submissions from 3 submitters: Uncertain significance (3). Last evaluated 2026-05-29.

Conditions:
Inborn genetic diseases. Identifiers: MedGen C0950123, MeSH D030342.
VCAN-related disorder. Also called: VCAN-related condition.

Allele frequency attached by ClinVar (database versions not stated): ExAC 0.00001; gnomAD exomes 0.00001 and 0.00005; gnomAD 0.00004; TOPMed 0.00005; ESP Exome Variant Server 0.00008.
gnomAD v4.1: 85 of 1,613,680 alleles (0.0053%); highest among the groups gnomAD compares: Middle Eastern, 0.049%; no homozygotes.

Submissions (3):

PreventionGenetics, part of Exact Sciences
Classification: Uncertain significance for VCAN-related condition. Last evaluated: 2026-05-29. Review status: criteria provided, single submitter. Criteria: ACMG Guidelines, 2015. Collection method: clinical testing. Allele origin: germline.
Comment: The VCAN c.6481A>G variant is predicted to result in the amino acid substitution p.Lys2161Glu. To our knowledge, this variant has not been reported in the literature. This variant is reported in 0.0097% of alleles in individuals of Ashkenazi Jewish descent in gnomAD. At this time, the clinical significance of this variant is uncertain due to the absence of conclusive functional and genetic evidence.

Ambry Genetics
Classification: Uncertain significance for Inborn genetic diseases. Last evaluated: 2025-08-28. Review status: criteria provided, single submitter. Criteria: Ambry Variant Classification Scheme 2023. Collection method: clinical testing. Allele origin: germline.

Labcorp Genetics (formerly Invitae), Labcorp
Classification: Uncertain significance. Last evaluated: 2024-11-13. Review status: criteria provided, single submitter. Criteria: Invitae Variant Classification Sherloc (09022015). Collection method: clinical testing. Allele origin: germline.
Comment: This sequence change replaces lysine, which is basic and polar, with glutamic acid, which is acidic and polar, at codon 2161 of the VCAN protein (p.Lys2161Glu). This variant is present in population databases (rs372949044, gnomAD 0.002%). This variant has not been reported in the literature in individuals affected with VCAN-related conditions. ClinVar contains an entry for this variant (Variation ID: 956507). An algorithm developed to predict the effect of missense changes on protein structure and function outputs the following: PolyPhen-2: "Benign". The glutamic acid amino acid residue is found in multiple mammalian species, which suggests that this missense change does not adversely affect protein function. In summary, the available evidence is currently insufficient to determine the role of this variant in disease. Therefore, it has been classified as a Variant of Uncertain Significance.

NM_004385.5(VCAN):c.6481A>G (p.Lys2161Glu)

Genes: VCAN (versican; plus strand), VCAN-AS1 (VCAN antisense RNA 1; minus strand). Cytogenetic location: 5q14.3.
Variant type: single nucleotide variant.
Coding change: c.6481A>G on transcript NM_004385.5 (MANE Select); coding-DNA position 6481, A replaced by G.
Protein change: p.Lys2161Glu; replaces lysine 2161 with glutamic acid.
Molecular consequence: missense variant. On other transcripts: intron variant (2).
Genome position (GRCh38, 1-based): chr5:83,539,484, A>G. VCF-style: chr5-83539484-A-G. GRCh37 (hg19) VCF-style: chr5-82835303-A-G.
Other names: c.3520A>G, p.Lys1174Glu (NM_001164097.2); c.4004-6053A>G (NM_001164098.2); c.1043-6053A>G (NM_001126336.3); short protein forms K2161E, K1174E.
Identifiers: ClinVar variation 956507 (VCV000956507.11), dbSNP rs372949044, ClinGen allele CA3333482.